The following is an entry in ClinVar:

NM_001042492.3(NF1):c.4970A>T (p.Asp1657Val)

Gene: NF1 (neurofibromin 1; plus strand). Cytogenetic location: 17q11.2.
Variant type: single nucleotide variant.
Coding change: c.4970A>T on transcript NM_001042492.3 (MANE Select); coding-DNA position 4970, A replaced by T.
Protein change: p.Asp1657Val; replaces aspartic acid 1657 with valine.
Molecular consequence: missense variant.
Genome position (GRCh38, 1-based): chr17:31,325,954, A>T. VCF-style: chr17-31325954-A-T. GRCh37 (hg19) VCF-style: chr17-29652972-A-T.
Other names: c.4907A>T, p.Asp1636Val (NM_000267.4); short protein forms D1636V, D1657V.
Identifiers: ClinVar variation 4615796 (VCV004615796.1).

ClinVar aggregate classification (germline): Uncertain significance (1 of 4 stars; one submission).

Conditions:
Cardiovascular phenotype. Identifiers: MedGen CN230736.
Hereditary cancer-predisposing syndrome. Also called: Neoplastic Syndromes, Hereditary; Tumor predisposition; Hereditary Cancer Syndrome; Hereditary neoplastic syndrome. Identifiers: Orphanet 140162, MedGen C0027672, MeSH D009386, MONDO:0015356.

Submission:

Ambry Genetics
Classification: Uncertain significance for Cardiovascular phenotype; Hereditary cancer-predisposing syndrome. Last evaluated: 2025-11-11. Review status: criteria provided, single submitter. Criteria: Ambry Variant Classification Scheme 2023. Collection method: clinical testing. Allele origin: germline.
Comment: The p.D1636V variant (also known as c.4907A>T), located in coding exon 36 of the NF1 gene, results from an A to T substitution at nucleotide position 4907. The aspartic acid at codon 1636 is replaced by valine, an amino acid with highly dissimilar properties. This amino acid position is conserved. In addition, this alteration is predicted to be deleterious by in silico analysis. Based on the available evidence, the clinical significance of this variant remains unclear.